The following is an entry in ClinVar:

NM_000742.4(CHRNA2):c.1318G>C (p.Gly440Arg)

Gene: CHRNA2 (cholinergic receptor nicotinic alpha 2 subunit; minus strand). Cytogenetic location: 8p21.2.
Variant type: single nucleotide variant.
Coding change: c.1318G>C on transcript NM_000742.4 (MANE Select); coding-DNA position 1318, G replaced by C.
Protein change: p.Gly440Arg; replaces glycine 440 with arginine.
Molecular consequence: missense variant.
Genome position (GRCh38, 1-based): chr8:27,463,125, C>G on the plus strand (G>C on the coding strand, the complement: CHRNA2 is on the minus strand). VCF-style: chr8-27463125-C-G. GRCh37 (hg19) VCF-style: chr8-27320642-C-G.
Other names: c.1273G>C, p.Gly425Arg (NM_001282455.2); c.841G>C, p.Gly281Arg (NM_001347705.2, NM_001347706.2); c.724G>C, p.Gly242Arg (NM_001347707.2, NM_001347708.2); short protein forms G281R, G440R, G425R, G242R.
Identifiers: ClinVar variation 2134519 (VCV002134519.4), dbSNP rs1405035752, ClinGen allele CA370808903.

ClinVar aggregate classification (germline): Uncertain significance (1 of 4 stars; one submission).

Conditions:
Familial sleep-related hypermotor epilepsy. Also called: Autosomal Dominant Sleep-Related Hypermotor (Hyperkinetic) Epilepsy. Identifiers: Orphanet 98784, MedGen C3696898, MONDO:0000030.

Submission:

Labcorp Genetics (formerly Invitae), Labcorp
Classification: Uncertain significance. Last evaluated: 2022-05-06. Review status: criteria provided, single submitter. Criteria: Invitae Variant Classification Sherloc (09022015). Collection method: clinical testing. Allele origin: germline.
Comment: In summary, the available evidence is currently insufficient to determine the role of this variant in disease. Therefore, it has been classified as a Variant of Uncertain Significance. Advanced modeling of protein sequence and biophysical properties (such as structural, functional, and spatial information, amino acid conservation, physicochemical variation, residue mobility, and thermodynamic stability) performed at Invitae indicates that this missense variant is not expected to disrupt CHRNA2 protein function. This variant has not been reported in the literature in individuals affected with CHRNA2-related conditions. This variant is not present in population databases (gnomAD no frequency). This sequence change replaces glycine, which is neutral and non-polar, with arginine, which is basic and polar, at codon 440 of the CHRNA2 protein (p.Gly440Arg).